The following is an entry in ClinVar:

ClinVar aggregate classification (germline): Benign/Likely benign. Review status: criteria provided, multiple submitters, no conflicts (2 of 4 stars). 7 submissions from 7 submitters: Benign (2); Likely benign (4). 1 of the submissions does not count toward it. Last evaluated 2025-12-27.

Conditions:
Tuberous sclerosis 1 (TSC1). Identifiers: Orphanet 805, MedGen C1854465, MONDO:0008612, OMIM 191100.
Hereditary cancer-predisposing syndrome. Also called: Tumor predisposition; Hereditary Cancer Syndrome; Neoplastic Syndromes, Hereditary; Hereditary neoplastic syndrome. Identifiers: Orphanet 140162, MedGen C0027672, MeSH D009386, MONDO:0015356.
Tuberous sclerosis syndrome (TSC). Also called: Tuberous Sclerosis Complex; Tuberous sclerosis. Identifiers: Orphanet 805, MedGen C0041341, MONDO:0001734.

Allele frequency attached by ClinVar (database versions not stated): gnomAD 0.00001; gnomAD exomes 0.00001 and 0.00002; TOPMed 0.00002.
gnomAD v4.1: 23 of 1,613,974 alleles (0.0014%); highest among the groups gnomAD compares: African/African-American, 0.0027%; no homozygotes.

Submissions (7):

Labcorp Genetics (formerly Invitae), Labcorp
Classification: Benign for Tuberous sclerosis 1. Last evaluated: 2025-12-27. Review status: criteria provided, single submitter. Criteria: Invitae Variant Classification Sherloc (09022015). Collection method: clinical testing. Allele origin: germline.

Color Diagnostics, LLC DBA Color Health
Classification: Likely benign for Tuberous sclerosis syndrome. Last evaluated: 2022-05-17. Review status: criteria provided, single submitter. Criteria: ACMG Guidelines, 2015. Collection method: clinical testing. Allele origin: germline.

Genome-Nilou Lab
Classification: Benign for Tuberous sclerosis 1. Last evaluated: 2021-11-07. Review status: criteria provided, single submitter. Criteria: ACMG Guidelines, 2015. Collection method: clinical testing. Allele origin: germline. Affected: no.

GeneDx
Classification: Likely benign. Last evaluated: 2021-06-11. Review status: criteria provided, single submitter. Criteria: GeneDx Variant Classification Process June 2021. Collection method: clinical testing. Allele origin: germline. Affected: yes.
Comment: This variant is associated with the following publications: (PMID: 23857276, 22161988, 21520333, 21309039)

Sema4
Classification: Likely benign for Hereditary cancer-predisposing syndrome. Last evaluated: 2020-12-02. Review status: criteria provided, single submitter. Criteria: Sema4 Curation Guidelines. Collection method: curation. Allele origin: germline.

Ambry Genetics
Classification: Likely benign for Hereditary cancer-predisposing syndrome. Last evaluated: 2015-07-25. Review status: criteria provided, single submitter. Criteria: Ambry Variant Classification Scheme 2023. Collection method: clinical testing. Allele origin: germline.

Tuberous sclerosis database (TSC1)
No classification provided. Condition: TSC. Review status: no classification provided. Criteria: Tuberous Sclerosis Database Assertion Criteria 2015. Collection method: curation. Allele origin: germline. Affected: yes. Not counted in ClinVar's aggregate classification.

Literature cited by the submitters: PubMed 22161988 (cited by Ambry Genetics).

NM_000368.5(TSC1):c.376G>A (p.Val126Ile)

Gene: TSC1 (TSC complex subunit 1; minus strand). Cytogenetic location: 9q34.13.
Variant type: single nucleotide variant.
Coding change: c.376G>A on transcript NM_000368.5 (MANE Select); coding-DNA position 376, G replaced by A.
Protein change: p.Val126Ile; replaces valine 126 with isoleucine.
Molecular consequence: missense variant.
Genome position (GRCh38, 1-based): chr9:132,923,480, C>T on the plus strand (G>A on the coding strand, the complement: TSC1 is on the minus strand). VCF-style: chr9-132923480-C-T. GRCh37 (hg19) VCF-style: chr9-135798867-C-T.
Other names: c.376G>A, p.Val126Ile (NM_001162426.2); c.223G>A, p.Val75Ile (NM_001162427.2); c.13G>A, p.Val5Ile (NM_001362177.2); short protein forms V126I, V5I, V75I.
Identifiers: ClinVar variation 64793 (VCV000064793.18), dbSNP rs397514843, ClinGen allele CA007477.